The following is an entry in ClinVar:

ClinVar aggregate classification (germline): Uncertain significance (1 of 4 stars; one submission).

gnomAD v4.1: 7 of 1,609,972 alleles (0.00043%); highest among the groups gnomAD compares: East Asian, 0.0067%; no homozygotes.

Submission:

Labcorp Genetics (formerly Invitae), Labcorp
Classification: Uncertain significance. Last evaluated: 2020-10-07. Review status: criteria provided, single submitter. Criteria: Invitae Variant Classification Sherloc (09022015). Collection method: clinical testing. Allele origin: germline.
Comment: This variant has not been reported in the literature in individuals with SLC34A3-related conditions. In summary, the available evidence is currently insufficient to determine the role of this variant in disease. Therefore, it has been classified as a Variant of Uncertain Significance. Algorithms developed to predict the effect of missense changes on protein structure and function (SIFT, PolyPhen-2, Align-GVGD) all suggest that this variant is likely to be disruptive, but these predictions have not been confirmed by published functional studies and their clinical significance is uncertain. This variant is not present in population databases (ExAC no frequency). This sequence change replaces leucine with proline at codon 350 of the SLC34A3 protein (p.Leu350Pro). The leucine residue is highly conserved and there is a moderate physicochemical difference between leucine and proline.

NM_001177316.2(SLC34A3):c.1049T>C (p.Leu350Pro)

Gene: SLC34A3 (solute carrier family 34 member 3; plus strand). Cytogenetic location: 9q34.3.
Variant type: single nucleotide variant.
Coding change: c.1049T>C on transcript NM_001177316.2 (MANE Select); coding-DNA position 1049, T replaced by C.
Protein change: p.Leu350Pro; replaces leucine 350 with proline.
Molecular consequence: missense variant.
Genome position (GRCh38, 1-based): chr9:137,234,232, T>C. VCF-style: chr9-137234232-T-C. GRCh37 (hg19) VCF-style: chr9-140128684-T-C.
Other names: c.1049T>C, p.Leu350Pro (NM_001177317.2, NM_080877.3); short protein forms L350P.
Identifiers: ClinVar variation 1020161 (VCV001020161.8), dbSNP rs1836442722, ClinGen allele CA375736402.